The following is an entry in ClinVar:

NM_033380.3(COL4A5):c.4938C>G (p.Tyr1646Ter)

Gene: COL4A5 (collagen type IV alpha 5 chain; plus strand). Cytogenetic location: Xq22.3.
Variant type: single nucleotide variant.
Coding change: c.4938C>G on transcript NM_033380.3 (MANE Select); coding-DNA position 4938, C replaced by G.
Protein change: p.Tyr1646Ter; replaces tyrosine 1646 with a stop codon.
Molecular consequence: nonsense.
Genome position (GRCh38, 1-based): chrX:108,695,383, C>G. VCF-style: chrX-108695383-C-G. GRCh37 (hg19) VCF-style: chrX-107938613-C-G.
Other names: c.4920C>G, p.Tyr1640Ter (NM_000495.5); short protein forms Y1640*, Y1646*.
Identifiers: ClinVar variation 975080 (VCV000975080.5), dbSNP rs2068717619, ClinGen allele CA414132888.

ClinVar aggregate classification (germline): Pathogenic (1 of 4 stars; one submission).

Conditions:
Alport syndrome. Also called: Hemorrhagic familial nephritis; Hemorrhagic hereditary nephritis; Congenital hereditary hematuria. Identifiers: Orphanet 63, MedGen C1567741, MONDO:0018965.

Submission:

Victorian Clinical Genetics Services, Murdoch Childrens Research Institute
Classification: Pathogenic for Alport syndrome. Last evaluated: 2020-07-02. Review status: criteria provided, single submitter. Criteria: ACMG Guidelines, 2015. Collection method: clinical testing. Allele origin: germline. Inheritance: X-linked dominant inheritance.
Comment: Based on the classification scheme VCGS_Germline_v1.3.3, this variant is classified as Pathogenic. Following criteria are met: 0103 - Dominant negative, caused by missense variants mostly glycine substitutions that affect the conformation of the protein, and loss of function, caused by either protein truncating and missense variants, are known mechanisms of disease in this gene and are associated with Alport syndrome (PMIDs: 24046192, 12028435). (I) 0110 - This gene is associated with X-linked dominant disease. (I) 0201 - Variant is predicted to cause nonsense-mediated decay (NMD) and loss of protein (premature termination codon is located at least 54 nucleotides upstream of the final exon-exon junction). (SP) 0253 - This variant is hemizygous. (I) 0301 - Variant is absent from gnomAD (both v2 and v3). (SP) 0701 - Other NMD variants comparable to the one identified in this case have very strong previous evidence for pathogenicity (ClinVar, Decipher). (SP) 0807 - This variant has no previous evidence of pathogenicity. (I) 0905 - No published segregation evidence has been identified for this variant. (I) 1007 - No published functional evidence has been identified for this variant. (I) Legend: (SP) - Supporting pathogenic, (I) - Information, (SB) - Supporting benign

Literature cited by the submitters: PubMed 12028435; PubMed 24046192.